The following is an entry in ClinVar:

ClinVar aggregate classification (germline): Uncertain significance (1 of 4 stars; one submission).

Conditions:
Charcot-Marie-Tooth disease axonal type 2O. Also called: CHARCOT-MARIE-TOOTH NEUROPATHY, AXONAL, TYPE 2O; CHARCOT-MARIE-TOOTH DISEASE, AXONAL, AUTOSOMAL DOMINANT, TYPE 2O; Charcot-Marie-Tooth Neuropathy Type 2O; Charcot-Marie-Tooth disease, axonal, type 20. Identifiers: Orphanet 284232, MedGen C3280220, MONDO:0013644, OMIM 614228.

Allele frequency attached by ClinVar (database versions not stated): gnomAD exomes below 0.00001; ExAC 0.00002.

Submission:

Labcorp Genetics (formerly Invitae), Labcorp
Classification: Uncertain significance for Charcot-Marie-Tooth disease axonal type 2O. Last evaluated: 2023-07-28. Review status: criteria provided, single submitter. Criteria: Invitae Variant Classification Sherloc (09022015). Collection method: clinical testing. Allele origin: germline.
Comment: In summary, the available evidence is currently insufficient to determine the role of this variant in disease. Therefore, it has been classified as a Variant of Uncertain Significance. Advanced modeling of protein sequence and biophysical properties (such as structural, functional, and spatial information, amino acid conservation, physicochemical variation, residue mobility, and thermodynamic stability) performed at Invitae indicates that this missense variant is expected to disrupt DYNC1H1 protein function. This variant has not been reported in the literature in individuals affected with DYNC1H1-related conditions. This variant is present in population databases (rs774259755, gnomAD 0.003%). This sequence change replaces tyrosine, which is neutral and polar, with cysteine, which is neutral and slightly polar, at codon 2693 of the DYNC1H1 protein (p.Tyr2693Cys).

NM_001376.5(DYNC1H1):c.8078A>G (p.Tyr2693Cys)

Gene: DYNC1H1 (dynein cytoplasmic 1 heavy chain 1; plus strand). Cytogenetic location: 14q32.31.
Variant type: single nucleotide variant.
Coding change: c.8078A>G on transcript NM_001376.5 (MANE Select); coding-DNA position 8078, A replaced by G.
Protein change: p.Tyr2693Cys; replaces tyrosine 2693 with cysteine.
Molecular consequence: missense variant.
Genome position (GRCh38, 1-based): chr14:102,017,405, A>G. VCF-style: chr14-102017405-A-G. GRCh37 (hg19) VCF-style: chr14-102483742-A-G.
Other names: short protein forms Y2693C.
Identifiers: ClinVar variation 2810982 (VCV002810982.3), dbSNP rs774259755, ClinGen allele CA7352931.